The following is an entry in ClinVar:

ClinVar aggregate classification (germline): Conflicting classifications of pathogenicity. Review status: criteria provided, conflicting classifications (1 of 4 stars). 2 submissions from 2 submitters: Likely pathogenic (1); Uncertain significance (1). Last evaluated 2024-06-07.

Conditions:
Granulomatous disease, chronic, autosomal recessive, cytochrome b-negative. Also called: GRANULOMATOUS DISEASE, CHRONIC, AUTOSOMAL RECESSIVE, 4; Chronic granulomatous disease, autosomal, due to deficiency of CYBA; CGD DUE TO DEFICIENCY OF THE ALPHA SUBUNIT OF CYTOCHROME b; CGD, AUTOSOMAL RECESSIVE CYTOCHROME b-NEGATIVE; CYBA DEFICIENCY. Identifiers: Orphanet 379, MedGen C1856255, MONDO:0009308, OMIM 233690.
Chronic granulomatous disease. Identifiers: Orphanet 379, MedGen C0018203, MONDO:0018305.

Allele frequency attached by ClinVar (database versions not stated): gnomAD exomes 0.00001.

Submissions (2):

Natera, Inc.
Classification: Likely pathogenic for Chronic granulomatous disease. Last evaluated: 2024-06-07. Review status: criteria provided, single submitter. Criteria: Natera Variant Classification Schema (03/2026). Collection method: clinical testing. Allele origin: germline.
Comment: The c.353G>A variant in CYBA is a missense variant predicted to cause substitution of serine to asparagine at amino acid 118. This variant is rare in the general population with a frequency below the threshold expected for the associated phenotype(s). This variant has been observed in one or more individuals affected with the associated recessive disease, as either homozygous or compound heterozygous with a second variant (PMID: 32081864, 31456102). Additionally, this variant has been observed to segregate in affected family members (PMID: 32081864). A different variant at the same position has been determined to be Pathogenic or Likely Pathogenic. Computational prediction algorithms indicate this variant is likely to affect gene or protein function. Given the available evidence, this variant is classified as Likely Pathogenic.

Labcorp Genetics (formerly Invitae), Labcorp
Classification: Uncertain significance for Granulomatous disease, chronic, autosomal recessive, cytochrome b-negative. Last evaluated: 2024-01-28. Review status: criteria provided, single submitter. Criteria: Invitae Variant Classification Sherloc (09022015). Collection method: clinical testing. Allele origin: germline.
Comment: This sequence change replaces serine, which is neutral and polar, with asparagine, which is neutral and polar, at codon 118 of the CYBA protein (p.Ser118Asn). The frequency data for this variant in the population databases is considered unreliable, as metrics indicate poor data quality at this position in the gnomAD database. This missense change has been observed in individuals with chronic granulomatous disease (PMID: 31456102, 32081864). An algorithm developed to predict the effect of missense changes on protein structure and function (PolyPhen-2) suggests that this variant is likely to be disruptive. This variant disrupts the p.Ser118 amino acid residue in CYBA. Other variant(s) that disrupt this residue have been determined to be pathogenic (PMID: 2243141, 10910929, 26185101, 28341171, 36606663). This suggests that this residue is clinically significant, and that variants that disrupt this residue are likely to be disease-causing. In summary, the available evidence is currently insufficient to determine the role of this variant in disease. Therefore, it has been classified as a Variant of Uncertain Significance.

Literature cited by the submitters: PubMed 32081864 (cited by Natera, Inc. and Labcorp Genetics (formerly Invitae), Labcorp); PubMed 31456102 (cited by Natera, Inc. and Labcorp Genetics (formerly Invitae), Labcorp); PubMed 2243141 (cited by Labcorp Genetics (formerly Invitae), Labcorp); PubMed 10910929 (cited by Labcorp Genetics (formerly Invitae), Labcorp); PubMed 26185101 (cited by Labcorp Genetics (formerly Invitae), Labcorp); PubMed 28341171 (cited by Labcorp Genetics (formerly Invitae), Labcorp); PubMed 36606663 (cited by Labcorp Genetics (formerly Invitae), Labcorp).

NM_000101.4(CYBA):c.353G>A (p.Ser118Asn)

Gene: CYBA (cytochrome b-245 alpha chain; minus strand). Cytogenetic location: 16q24.2.
Variant type: single nucleotide variant.
Coding change: c.353G>A on transcript NM_000101.4 (MANE Select); coding-DNA position 353, G replaced by A.
Protein change: p.Ser118Asn; replaces serine 118 with asparagine.
Molecular consequence: missense variant.
Genome position (GRCh38, 1-based): chr16:88,646,132, C>T on the plus strand (G>A on the coding strand, the complement: CYBA is on the minus strand). VCF-style: chr16-88646132-C-T. GRCh37 (hg19) VCF-style: chr16-88712540-C-T.
Other names: c.353G>A (NM_000101.3); short protein forms S118N.
Identifiers: ClinVar variation 2972817 (VCV002972817.4), dbSNP rs1291332444, ClinGen allele CA397062850.